The following is an entry in ClinVar:

ClinVar aggregate classification (germline): Uncertain significance. Review status: criteria provided, multiple submitters, no conflicts (2 of 4 stars). 2 submissions from 2 submitters: Uncertain significance (2). Last evaluated 2024-12-09.

Conditions:
Mitochondrial complex III deficiency nuclear type 3. Identifiers: MedGen C3554606, MONDO:0014064, OMIM 615158.

gnomAD v4.1: 25 of 1,613,930 alleles (0.0015%); highest among the groups gnomAD compares: African/African-American, 0.028%; no homozygotes.

Submissions (2):

Ambry Genetics
Classification: Uncertain significance. Last evaluated: 2024-12-09. Review status: criteria provided, single submitter. Criteria: Ambry Variant Classification Scheme 2023. Collection method: clinical testing. Allele origin: germline.

Pittsburgh Clinical Genomics Laboratory, University of Pittsburgh Medical Center
Classification: Uncertain significance for Mitochondrial complex III deficiency nuclear type 3. Last evaluated: 2023-11-17. Review status: criteria provided, single submitter. Criteria: ACMG Guidelines, 2015. Collection method: clinical testing. Allele origin: germline. Inheritance: Autosomal recessive inheritance. Affected: yes.
Comment: This sequence variant is a single nucleotide substitution (G>A) at position 305 of the coding sequence of the UQCRB gene that results in an arginine to lysine amino acid change at residue 102 of the ubiquinol-cytochrome c reductase binding protein. This variant is absent from ClinVar and has not been reported in the literature in individuals with UQCRB-related disease, to our knowledge. This variant is present in 19 of 403046 alleles (0.0047%) in the gnomAD population dataset. Multiple bioinformatic tools predict that this arginine to lysine amino acid change would be neutral, and the Arg102 residue at this position is highly conserved across the vertebrate species examined. Studies examining the functional consequence of this variant have not been performed, to our knowledge. At this time, there is insufficient evidence to determine if this variant is pathogenic or benign. Therefore, we consider this a variant of uncertain significance. ACMG Criteria: BP4, PM2

NM_006294.5(UQCRB):c.305G>A (p.Arg102Lys)

Gene: UQCRB (ubiquinol-cytochrome c reductase binding protein; minus strand). Cytogenetic location: 8q22.1.
Variant type: single nucleotide variant.
Coding change: c.305G>A on transcript NM_006294.5 (MANE Select); coding-DNA position 305, G replaced by A.
Protein change: p.Arg102Lys; replaces arginine 102 with lysine.
Molecular consequence: missense variant. On other transcripts: 3 prime UTR variant (1), non-coding transcript variant (1).
Genome position (GRCh38, 1-based): chr8:96,231,086, C>T on the plus strand (G>A on the coding strand, the complement: UQCRB is on the minus strand). VCF-style: chr8-96231086-C-T. GRCh37 (hg19) VCF-style: chr8-97243314-C-T.
Other names: c.209G>A, p.Arg70Lys (NM_001199975.3); c.*19G>A (NM_001254752.2); c.305G>A (NM_006294.3); short protein forms R102K, R70K.
Identifiers: ClinVar variation 3376397 (VCV003376397.2).
Genomic context (GRCh38, chr8:96,231,086, plus strand): 5'-AGCTGCATCCACAGACTTCAACTACATGATTACTTCTTTGCCCATTCTTCTCTTTCTTTT[C>T]TTTCCCGAATAACCTCTTTCAGATACGGTTCAAGGTAGAAATTTTCCTAAAGAATGAATG-3'
Protein context (NP_006285.1, residues 92-111): EPYLKEVIRE[Arg102Lys]KEREEWAKK